The following is an entry in ClinVar:

ClinVar aggregate classification (germline): Pathogenic. Review status: criteria provided, multiple submitters, no conflicts (2 of 4 stars). 4 submissions from 4 submitters: Pathogenic (3). 1 of the submissions does not count toward it. Last evaluated 2025-12-08.

Conditions:
Ornithine carbamoyltransferase deficiency (OTCD). Also called: Ornithine Carbamoyltransferase Deficiency Disease; OTC DEFICIENCY; ORNITHINE TRANSCARBAMYLASE DEFICIENCY; ORNITHINE TRANSCARBAMYLASE DEFICIENCY, HYPERAMMONEMIA DUE TO. Identifiers: Orphanet 664, MedGen C0268542, MONDO:0010703, OMIM 311250.

Submissions (4):

3billion
Classification: Pathogenic for Ornithine carbamoyltransferase deficiency. Last evaluated: 2025-12-08. Review status: criteria provided, single submitter. Criteria: ACMG Guidelines, 2015. Collection method: clinical testing. Allele origin: germline. Affected: yes.
Comment: The variant is not observed in the gnomAD v4.1.0 dataset. Predicted Consequence/Location: Canonical splice site: predicted to alter splicing and result in a loss or disruption of normal protein function. Multiple pathogenic loss-of-function variants are reported downstream of the variant. In silico tools predict the variant to alter splicing and produce an abnormal transcript [SpliceAI: 0.98 (spliceogenicity >=0.2, non-spliceogenicity <0.1)]. The variant has been reported at least twice as pathogenic without evidence for the classification (ClinVar ID: VCV000097285 /PMID: 9266388). Therefore, this variant is classified as Pathogenic according to the recommendation of ACMG/AMP guideline.

Labcorp Genetics (formerly Invitae), Labcorp
Classification: Pathogenic for Ornithine carbamoyltransferase deficiency. Last evaluated: 2022-04-19. Review status: criteria provided, single submitter. Criteria: Invitae Variant Classification Sherloc (09022015). Collection method: clinical testing. Allele origin: germline.
Comment: Disruption of this splice site has been observed in individuals with ornithine transcarbamylase (OTC) deficiency (PMID: 9266388). This variant is not present in population databases (gnomAD no frequency). This sequence change affects a donor splice site in intron 6 of the OTC gene. It is expected to disrupt RNA splicing. Variants that disrupt the donor or acceptor splice site typically lead to a loss of protein function (PMID: 16199547), and loss-of-function variants in OTC are known to be pathogenic (PMID: 10946359, 16786505). ClinVar contains an entry for this variant (Variation ID: 97285). Algorithms developed to predict the effect of sequence changes on RNA splicing suggest that this variant may disrupt the consensus splice site. For these reasons, this variant has been classified as Pathogenic.

Eurofins Ntd Llc (ga)
Classification: Pathogenic. Last evaluated: 2017-10-10. Review status: criteria provided, single submitter. Criteria: EGL Classification Definitions 2015. Collection method: clinical testing. Allele origin: germline. Observed: 1 variant allele, 1 heterozygote.

GenMed Metabolism Lab
Classification: Pathogenic. Review status: no assertion criteria provided. Collection method: not provided. Allele origin: unknown. Not counted in ClinVar's aggregate classification.
Comment: Neonatal, Donor splice site error
ClinVar note: Converted during submission from pathogenic to Pathogenic.

Literature cited by the submitters: PubMed 9266388 (cited by 3billion and Labcorp Genetics (formerly Invitae), Labcorp); PubMed 16199547 (cited by Labcorp Genetics (formerly Invitae), Labcorp); PubMed 10946359 (cited by Labcorp Genetics (formerly Invitae), Labcorp); PubMed 16786505 (cited by Labcorp Genetics (formerly Invitae), Labcorp).

NM_000531.6(OTC):c.663+2T>C

Gene: OTC (ornithine transcarbamylase; plus strand). Cytogenetic location: Xp11.4.
Variant type: single nucleotide variant.
Coding change: c.663+2T>C on transcript NM_000531.6 (MANE Select); the canonical splice donor site of the intron after coding-DNA position 663, T replaced by C.
Molecular consequence: splice donor variant.
Genome position (GRCh38, 1-based): chrX:38,403,742, T>C. VCF-style: chrX-38403742-T-C. GRCh37 (hg19) VCF-style: chrX-38262995-T-C.
Other names: c.663+2T>C (NM_001407092.1).
Identifiers: ClinVar variation 97285 (VCV000097285.12), dbSNP rs72558427, ClinGen allele CA224732.